The following is an entry in ClinVar:

NM_019109.5(ALG1):c.782C>T (p.Thr261Met)

Gene: ALG1 (ALG1 chitobiosyldiphosphodolichol beta-mannosyltransferase; plus strand). Cytogenetic location: 16p13.3.
Variant type: single nucleotide variant.
Coding change: c.782C>T on transcript NM_019109.5 (MANE Select); coding-DNA position 782, C replaced by T.
Protein change: p.Thr261Met; replaces threonine 261 with methionine.
Molecular consequence: missense variant.
Genome position (GRCh38, 1-based): chr16:5,078,798, C>T. VCF-style: chr16-5078798-C-T. GRCh37 (hg19) VCF-style: chr16-5128799-C-T.
Other names: c.449C>T, p.Thr150Met (NM_001330504.2); short protein forms T150M, T261M.
Identifiers: ClinVar variation 970270 (VCV000970270.9), dbSNP rs534622519, ClinGen allele CA7890015.

ClinVar aggregate classification (germline): Conflicting classifications of pathogenicity. Review status: criteria provided, conflicting classifications (1 of 4 stars). 4 submissions from 4 submitters: Uncertain significance (3); Likely benign (1). Last evaluated 2025-01-04.

Conditions:
ALG1-congenital disorder of glycosylation. Also called: CONGENITAL DISORDER OF GLYCOSYLATION, TYPE Ik; CDG Ik; ALG1-CDG. Identifiers: Orphanet 79327, MedGen C2931005, MONDO:0012052, OMIM 608540.
ALG1-related disorder. Also called: ALG1-related condition.
Inborn genetic diseases. Identifiers: MedGen C0950123, MeSH D030342.

Allele frequency attached by ClinVar (database versions not stated): gnomAD 0.00001 and 0.00002; TOPMed 0.00012; ExAC 0.00018; gnomAD exomes 0.00024.
gnomAD v4.1: 82 of 1,612,874 alleles (0.0051%); highest among the groups gnomAD compares: Admixed American, 0.12%; no homozygotes.

Submissions (4):

PreventionGenetics, part of Exact Sciences
Classification: Likely benign for ALG1-related condition. Last evaluated: 2025-01-04. Review status: criteria provided, single submitter. Criteria: ACMG Guidelines, 2015. Collection method: clinical testing. Allele origin: germline.
Comment: This variant is classified as likely benign based on ACMG/AMP sequence variant interpretation guidelines (Richards et al. 2015 PMID: 25741868, with internal and published modifications).

Ambry Genetics
Classification: Uncertain significance for Inborn genetic diseases. Last evaluated: 2024-11-22. Review status: criteria provided, single submitter. Criteria: Ambry Variant Classification Scheme 2023. Collection method: clinical testing. Allele origin: germline.
Comment: The c.782C>T (p.T261M) alteration is located in exon 7 (coding exon 7) of the ALG1 gene. This alteration results from a C to T substitution at nucleotide position 782, causing the threonine (T) at amino acid position 261 to be replaced by a methionine (M). Based on data from gnomAD, the T allele has an overall frequency of 0.021% (60/281388) total alleles studied. The highest observed frequency was 0.164% (58/35434) of Latino alleles. This amino acid position is well conserved in available vertebrate species. The in silico prediction for this alteration is inconclusive. Based on insufficient or conflicting evidence, the clinical significance of this alteration remains unclear.

Labcorp Genetics (formerly Invitae), Labcorp
Classification: Uncertain significance for ALG1-congenital disorder of glycosylation. Last evaluated: 2024-11-11. Review status: criteria provided, single submitter. Criteria: Invitae Variant Classification Sherloc (09022015). Collection method: clinical testing. Allele origin: germline.
Comment: This sequence change replaces threonine, which is neutral and polar, with methionine, which is neutral and non-polar, at codon 261 of the ALG1 protein (p.Thr261Met). This variant is present in population databases (rs534622519, gnomAD 0.2%). This variant has not been reported in the literature in individuals affected with ALG1-related conditions. ClinVar contains an entry for this variant (Variation ID: 970270). Invitae Evidence Modeling of protein sequence and biophysical properties (such as structural, functional, and spatial information, amino acid conservation, physicochemical variation, residue mobility, and thermodynamic stability) indicates that this missense variant is expected to disrupt ALG1 protein function with a positive predictive value of 80%. In summary, the available evidence is currently insufficient to determine the role of this variant in disease. Therefore, it has been classified as a Variant of Uncertain Significance.

Fulgent Genetics
Classification: Uncertain significance for ALG1-congenital disorder of glycosylation. Last evaluated: 2024-01-29. Review status: criteria provided, single submitter. Criteria: ACMG Guidelines, 2015. Collection method: clinical testing. Allele origin: germline.